The following is an entry in ClinVar:

NM_001572.5(IRF7):c.658C>T (p.Leu220=)

Gene: IRF7 (interferon regulatory factor 7; minus strand). Cytogenetic location: 11p15.5.
Variant type: single nucleotide variant.
Coding change: c.658C>T on transcript NM_001572.5 (MANE Select); coding-DNA position 658, C replaced by T.
Protein change: p.Leu220=; no amino-acid change (leucine 220 retained).
Molecular consequence: synonymous variant.
Genome position (GRCh38, 1-based): chr11:614,195, G>A on the plus strand (C>T on the coding strand, the complement: IRF7 is on the minus strand). VCF-style: chr11-614195-G-A. GRCh37 (hg19) VCF-style: chr11-614195-G-A.
Other names: c.658C>T, p.Leu220= (NM_004029.4); c.697C>T, p.Leu233= (NM_004031.4).
Identifiers: ClinVar variation 1158974 (VCV001158974.11), dbSNP rs749760219, ClinGen allele CA5783877.

ClinVar aggregate classification (germline): Likely benign. Review status: criteria provided, multiple submitters, no conflicts (2 of 4 stars). 2 submissions from 2 submitters: Likely benign (2). Last evaluated 2026-06-01.

Conditions:
Immunodeficiency 39 (IMD39). Identifiers: Orphanet 574918, MedGen C4225358, MONDO:0014597, OMIM 616345.

Allele frequency attached by ClinVar (database versions not stated): gnomAD 0.00001.
gnomAD v4.1: 12 of 1,612,706 alleles (0.00074%); highest among the groups gnomAD compares: Admixed American, 0.0033%; 1 homozygote.

Submissions (2):

CeGaT Center for Human Genetics Tuebingen
Classification: Likely benign. Last evaluated: 2026-06-01. Review status: criteria provided, single submitter. Criteria: CeGaT Center For Human Genetics Tuebingen Variant Classification Criteria Version 2. Collection method: clinical testing. Allele origin: germline. Affected: yes. Observed: 1 variant allele.
Comment: IRF7: BP4, BP7

Labcorp Genetics (formerly Invitae), Labcorp
Classification: Likely benign for Immunodeficiency 39. Last evaluated: 2024-11-11. Review status: criteria provided, single submitter. Criteria: Invitae Variant Classification Sherloc (09022015). Collection method: clinical testing. Allele origin: germline.